The following is an entry in ClinVar:

ClinVar aggregate classification (germline): Pathogenic (1 of 4 stars; one submission).

Submission:

Labcorp Genetics (formerly Invitae), Labcorp
Classification: Pathogenic. Last evaluated: 2023-09-05. Review status: criteria provided, single submitter. Criteria: Invitae Variant Classification Sherloc (09022015). Collection method: clinical testing. Allele origin: germline.
Comment: For these reasons, this variant has been classified as Pathogenic. This variant has not been reported in the literature in individuals affected with ITGA6-related conditions. This variant is not present in population databases (gnomAD no frequency). This sequence change creates a premature translational stop signal (p.Tyr923*) in the ITGA6 gene. It is expected to result in an absent or disrupted protein product. Loss-of-function variants in ITGA6 are known to be pathogenic (PMID: 9158140, 9185503, 9804362, 27607025).

Literature cited by the submitters: PubMed 9158140; PubMed 9185503; PubMed 9804362; PubMed 27607025.

NM_000210.4(ITGA6):c.2769C>G (p.Tyr923Ter)

Genes: ITGA6 (integrin subunit alpha 6; plus strand), PDK1-AS1 (PDK1 and ITGA6 antisense RNA 1; minus strand). Cytogenetic location: 2q31.1.
Variant type: single nucleotide variant.
Coding change: c.2769C>G on transcript NM_000210.4 (MANE Select); coding-DNA position 2769, C replaced by G.
Protein change: p.Tyr923Ter; replaces tyrosine 923 with a stop codon.
Molecular consequence: nonsense.
Genome position (GRCh38, 1-based): chr2:172,491,113, C>G. VCF-style: chr2-172491113-C-G. GRCh37 (hg19) VCF-style: chr2-173355841-C-G.
Other names: c.2769C>G, p.Tyr923Ter (NM_001079818.3); c.2412C>G, p.Tyr804Ter (NM_001316306.2); c.2724C>G, p.Tyr908Ter (NM_001365529.2, NM_001365530.2); c.2886C>G, p.Tyr962Ter (NM_001394928.1); short protein forms Y804*, Y923*, Y962*, Y908*.
Identifiers: ClinVar variation 2755501 (VCV002755501.3), dbSNP rs886664739, ClinGen allele CA349296627.